The following is an entry in ClinVar:

NM_138694.4(PKHD1):c.3539G>A (p.Gly1180Glu)

Gene: PKHD1 (PKHD1 ciliary IPT domain containing fibrocystin/polyductin; minus strand). Cytogenetic location: 6p12.2.
Variant type: single nucleotide variant.
Coding change: c.3539G>A on transcript NM_138694.4 (MANE Select); coding-DNA position 3539, G replaced by A.
Protein change: p.Gly1180Glu; replaces glycine 1180 with glutamic acid.
Molecular consequence: missense variant.
Genome position (GRCh38, 1-based): chr6:52,028,177, C>T on the plus strand (G>A on the coding strand, the complement: PKHD1 is on the minus strand). VCF-style: chr6-52028177-C-T. GRCh37 (hg19) VCF-style: chr6-51892975-C-T.
Other names: c.3539G>A, p.Gly1180Glu (NM_170724.3); short protein forms G1180E.
Identifiers: ClinVar variation 636692 (VCV000636692.4), dbSNP rs1581827172, ClinGen allele CA364440279.

ClinVar aggregate classification (germline): Likely pathogenic. Review status: criteria provided, multiple submitters, no conflicts (2 of 4 stars). 3 submissions from 3 submitters: Likely pathogenic (3). Last evaluated 2024-03-26.

Conditions:
PKHD1-related disorder. Also called: PKHD1-related condition.
Polycystic kidney disease 4 (PKD4). Also called: PKD3; Autosomal Recessive Polycystic Kidney Disease – PKHD1; POLYCYSTIC KIDNEY AND HEPATIC DISEASE 1; POLYCYSTIC KIDNEY DISEASE, INFANTILE, TYPE I; POLYCYSTIC KIDNEY DISEASE 4 WITH OR WITHOUT POLYCYSTIC LIVER DISEASE. Identifiers: MedGen C4540575, MONDO:0033004, OMIM 263200.

Submissions (3):

Genomic Medicine Center of Excellence, King Faisal Specialist Hospital and Research Centre
Classification: Likely pathogenic for Polycystic kidney disease 4. Last evaluated: 2024-03-26. Review status: criteria provided, single submitter. Criteria: ACMG Guidelines, 2015. Collection method: clinical testing. Allele origin: germline.

3billion
Classification: Likely pathogenic for Polycystic kidney disease 4. Last evaluated: 2022-03-22. Review status: criteria provided, single submitter. Criteria: ACMG Guidelines, 2015. Collection method: clinical testing. Allele origin: germline. Affected: yes. Observed: 1 homozygote.
Comment: Same nucleotide change resulting in same amino acid change has been previously reported to be associated with PKHD1 related disorder (ClinVar ID: VCV000636692, PMID:26862157). In silico tool predictions suggest damaging effect of the variant on gene or gene product(REVEL: 0.677>=0.6, 3CNET: 0.973>=0.75, SPLICEAI: 0.8>=0.8). It is not observed in the gnomAD v2.1.1 dataset. Therefore, this variant is classified as likely pathogenic according to the recommendation of ACMG/AMP guideline.

Blueprint Genetics
Classification: Likely pathogenic for PKHD1-related disorders. Last evaluated: 2018-06-26. Review status: criteria provided, single submitter. Criteria: ACMG Guidelines, 2015. Collection method: clinical testing. Allele origin: germline. Affected: yes. Observed: 1 variant allele.

Literature cited by the submitters: PubMed 26862157 (cited by 3billion).